The following is an entry in ClinVar:

NM_024529.5(CDC73):c.*1083A>T

Gene: CDC73 (cell division cycle 73; plus strand). Cytogenetic location: 1q31.2.
Variant type: single nucleotide variant.
Coding change: c.*1083A>T on transcript NM_024529.5 (MANE Select); 1083 bases downstream of the stop codon, A replaced by T.
Molecular consequence: 3 prime UTR variant.
Genome position (GRCh38, 1-based): chr1:193,251,795, A>T. VCF-style: chr1-193251795-A-T. GRCh37 (hg19) VCF-style: chr1-193220925-A-T.
Identifiers: ClinVar variation 294427 (VCV000294427.5), dbSNP rs367704451, ClinGen allele CA10609153.

ClinVar aggregate classification (germline): Benign/Likely benign. Review status: criteria provided, single submitter (1 of 4 stars). 3 submissions from 1 submitter: Benign (2); Likely benign (1). Last evaluated 2018-01-13.

Conditions:
Hyperparathyroidism 1 (HRPT1). Also called: HYPERPARATHYROIDISM, FAMILIAL ISOLATED PRIMARY. Identifiers: Orphanet 99879, MedGen C1840402, MONDO:0007767, OMIM 145000.
Parathyroid carcinoma (PRTC). Also called: Parathyroid gland carcinoma; CDC73-Related Parathyroid Carcinoma. Identifiers: Orphanet 143, MedGen C0687150, MONDO:0012004, OMIM 608266, HP:0006780.
Hyperparathyroidism 2 with jaw tumors. Also called: Hyperparathyroidism 2; HYPERPARATHYROIDISM, FAMILIAL PRIMARY, WITH MULTIPLE OSSIFYING JAW FIBROMAS; HYPERPARATHYROIDISM-JAW TUMOR SYNDROME, HEREDITARY; Hyperparathyroidism-Jaw Tumor Syndrome. Identifiers: Orphanet 99880, MedGen C1704981, MONDO:0007768, OMIM 145001.

Allele frequency attached by ClinVar (database versions not stated): gnomAD 0.00006; TOPMed 0.00012; gnomAD exomes 0.00037; 1000 Genomes Project 0.00300; 1000 Genomes Project 30x 0.00344.
gnomAD v4.1: 156 of 231,500 alleles (0.067%); highest among the groups gnomAD compares: South Asian, 2.6%; 3 homozygotes.

Submissions (3):

Illumina Laboratory Services, Illumina
Classification: Likely benign for Hyperparathyroidism 1. Last evaluated: 2018-01-13. Review status: criteria provided, single submitter. Criteria: ICSL Variant Classification Criteria 13 December 2019. Collection method: clinical testing. Allele origin: germline.
Comment: This variant was observed in the ICSL laboratory as part of a predisposition screen in an ostensibly healthy population. It had not been previously curated by ICSL or reported in the Human Gene Mutation Database (HGMD: prior to June 1st, 2018), and was therefore a candidate for classification through an automated scoring system. Utilizing variant allele frequency, disease prevalence and penetrance estimates, and inheritance mode, an automated score was calculated to assess if this variant is too frequent to cause the disease. Based on the score and internal cut-off values, a variant classified as likely benign is not then subjected to further curation. The score for this variant resulted in a classification of likely benign for this disease.

Illumina Laboratory Services, Illumina
Classification: Benign for Hyperparathyroidism 2 with jaw tumors. Last evaluated: 2018-01-13. Review status: criteria provided, single submitter. Criteria: ICSL Variant Classification Criteria 13 December 2019. Collection method: clinical testing. Allele origin: germline.
Comment: This variant was observed in the ICSL laboratory as part of a predisposition screen in an ostensibly healthy population. It had not been previously curated by ICSL or reported in the Human Gene Mutation Database (HGMD: prior to June 1st, 2018), and was therefore a candidate for classification through an automated scoring system. Utilizing variant allele frequency, disease prevalence and penetrance estimates, and inheritance mode, an automated score was calculated to assess if this variant is too frequent to cause the disease. Based on the score and internal cut-off values, a variant classified as benign is not then subjected to further curation. The score for this variant resulted in a classification of benign for this disease.

Illumina Laboratory Services, Illumina
Classification: Benign for Parathyroid carcinoma. Last evaluated: 2018-01-13. Review status: criteria provided, single submitter. Criteria: ICSL Variant Classification Criteria 13 December 2019. Collection method: clinical testing. Allele origin: germline.
Comment: the same text as in the submission from Illumina Laboratory Services, Illumina above.